The following is an entry in ClinVar:

NC_000016.9:g.(89806508_89807211)_(89851373_89857810)del

Genes: FANCA (FA complementation group A; minus strand), ZNF276 (zinc finger protein 276; plus strand). Cytogenetic location: 16q24.3.
Variant type: Deletion.
Identifiers: ClinVar variation 3366388 (VCV003366388.1).

ClinVar aggregate classification (germline): Pathogenic (1 of 4 stars; one submission).

Conditions:
Fanconi anemia (FA). Also called: Fanconi's anemia. Identifiers: Orphanet 84, MedGen C0015625, MeSH D005199, MONDO:0019391.

Submission:

Women's Health and Genetics/Laboratory Corporation of America, LabCorp
Classification: Pathogenic for Fanconi anemia. Last evaluated: 2024-08-08. Review status: criteria provided, single submitter. Criteria: LabCorp Variant Classification Summary - May 2015. Collection method: clinical testing. Allele origin: germline.
Comment: Variant summary: The variant involves the deletion of exons 15-38 in the FANCA gene. A presumed nomenclature of c.(1359+1_1360-1)_(3828+1_3829-1)del has been designated for the purposes of this classification. This Copy Number Variant (CNV) is predicted to result in an in-frame deletion within this gene. The variant was absent in 20746 control chromosomes. To our knowledge, no occurrence of c.(1359+1_1360-1)_(3828+1_3829-1)del in individuals affected with Fanconi Anemia and no experimental evidence demonstrating its impact on protein function have been reported. At least 1 missense variant in the overlapping deleted region (p.Arg880Gln; Variation ID: 555460) has been classified as pathogenic by our laboratory, suggesting that loss of these exons is deleterious. No submitters have cited clinical-significance assessments for this variant to ClinVar. Based on the evidence outlined above, the variant was classified as pathogenic.